The following is an entry in ClinVar:

ClinVar aggregate classification (germline): Uncertain significance (1 of 4 stars; one submission).

Conditions:
Dilated cardiomyopathy 1G (CMD1G). Identifiers: Orphanet 154, MedGen C1858763, MONDO:0011400, OMIM 604145.
Autosomal recessive limb-girdle muscular dystrophy type 2J (LGMDR10). Also called: MUSCULAR DYSTROPHY, LIMB-GIRDLE, AUTOSOMAL RECESSIVE 10; Limb-girdle muscular dystrophy, type 2J. Identifiers: Orphanet 140922, MedGen C1837342, MONDO:0012127, OMIM 608807.

Submission:

Labcorp Genetics (formerly Invitae), Labcorp
Classification: Uncertain significance for Dilated cardiomyopathy 1G; Autosomal recessive limb-girdle muscular dystrophy type 2J. Last evaluated: 2022-06-30. Review status: criteria provided, single submitter. Criteria: Invitae Variant Classification Sherloc (09022015). Collection method: clinical testing. Allele origin: germline.
Comment: In summary, the available evidence is currently insufficient to determine the role of this variant in disease. Therefore, it has been classified as a Variant of Uncertain Significance. This variant disrupts the I band of TTN (PMID: 25589632). Copy number variants in TTN have been previously reported in individuals affected with neuromuscular disorders (PMID: 29792937, 30238059), but the functional significance of this variant is currently unknown. Experimental studies and prediction algorithms are not available or were not evaluated, and the functional significance of this variant is currently unknown. This variant has not been reported in the literature in individuals affected with TTN-related conditions. This variant is a gross deletion of the genomic region encompassing exon(s) 145-146 of the TTN gene. This variant would be expected to be in-frame, preserving the integrity of the reading frame.

Literature cited by the submitters: PubMed 25589632; PubMed 29792937; PubMed 30238059.

NC_000002.11:g.(?_179542328)_(179542955_?)del

Gene: TTN (titin; minus strand). Cytogenetic location: 2q31.2.
Variant type: Deletion.
Identifiers: ClinVar variation 2424037 (VCV002424037.6).